The following is an entry in ClinVar:

ClinVar aggregate classification (germline): Likely pathogenic (1 of 4 stars; one submission).

Conditions:
Hereditary cancer-predisposing syndrome. Also called: Tumor predisposition; Neoplastic Syndromes, Hereditary; Hereditary Cancer Syndrome; Hereditary neoplastic syndrome. Identifiers: Orphanet 140162, MedGen C0027672, MeSH D009386, MONDO:0015356.

Submission:

Ambry Genetics
Classification: Likely pathogenic for Hereditary cancer-predisposing syndrome. Last evaluated: 2025-02-10. Review status: criteria provided, single submitter. Criteria: Ambry Variant Classification Scheme 2023. Collection method: clinical testing. Allele origin: germline.
Comment: The c.1743+2156G>C intronic variant results from a G to C substitution 2156 nucleotides after coding exon 13 in the APC gene. This variant was reported in at least one individual with features consistent with familial adenomatous polyposis (Ambry internal data). This nucleotide position is conserved on limited sequence alignment. In silico splice site analysis predicts that this alteration may result in the creation or strengthening of a novel splice acceptor site. RNA studies have demonstrated that this alteration results in abnormal splicing in the set of samples tested (Ambry internal data). This variant is considered to be rare based on population cohorts in the Genome Aggregation Database (gnomAD). Based on the majority of available evidence to date, this variant is likely to be pathogenic.

NM_000038.6(APC):c.1743+2156G>C

Gene: APC (APC regulator of Wnt signaling pathway; plus strand). Cytogenetic location: 5q22.2.
Variant type: single nucleotide variant.
Coding change: c.1743+2156G>C on transcript NM_000038.6 (MANE Select); 2156 bases into the intron after coding-DNA position 1743, G replaced by C.
Molecular consequence: intron variant.
Genome position (GRCh38, 1-based): chr5:112,831,128, G>C. VCF-style: chr5-112831128-G-C. GRCh37 (hg19) VCF-style: chr5-112166825-G-C.
Other names: c.894+2156G>C (NM_001407470.1, NM_001354906.2); c.591+2156G>C (NM_001407472.1, NM_001407471.1); c.1797+2156G>C (NM_001407447.1, NM_001407448.1, NM_001407449.1 and 1 more transcripts); c.1743+2156G>C (NM_001354895.2, NM_001407450.1, NM_001127510.3); c.1494+2156G>C (NM_001407456.1, NM_001407457.1, NM_001407455.1 and 1 more transcripts); c.1440+2156G>C (NM_001407460.1, NM_001407458.1, NM_001407459.1 and 1 more transcripts); c.1713+2156G>C (NM_001407452.1); c.1356+2156G>C (NM_001407469.1, NM_001407467.1); and 11 more.
Identifiers: ClinVar variation 3882279 (VCV003882279.1).